The following is an entry in ClinVar:

NM_018706.7(DHTKD1):c.497T>C (p.Leu166Pro)

Gene: DHTKD1 (dehydrogenase E1 and transketolase domain containing 1; plus strand). Cytogenetic location: 10p14.
Variant type: single nucleotide variant.
Coding change: c.497T>C on transcript NM_018706.7 (MANE Select); coding-DNA position 497, T replaced by C.
Protein change: p.Leu166Pro; replaces leucine 166 with proline.
Molecular consequence: missense variant.
Genome position (GRCh38, 1-based): chr10:12,084,726, T>C. VCF-style: chr10-12084726-T-C. GRCh37 (hg19) VCF-style: chr10-12126725-T-C.
Other names: c.497T>C (NM_018706.5); short protein forms L166P.
Identifiers: ClinVar variation 2822226 (VCV002822226.4), dbSNP rs757387152, ClinGen allele CA5407545.

ClinVar aggregate classification (germline): Uncertain significance. Review status: criteria provided, multiple submitters, no conflicts (2 of 4 stars). 2 submissions from 2 submitters: Uncertain significance (2). Last evaluated 2025-10-18.

Conditions:
Inborn genetic diseases. Identifiers: MedGen C0950123, MeSH D030342.
2-aminoadipic 2-oxoadipic aciduria (AAKAD). Also called: Aminoadipic aciduria; ALPHA-AMINOADIPIC AND ALPHA-KETOADIPIC ACIDURIA. Identifiers: Orphanet 79154, MedGen C1859817, MONDO:0008774, OMIM 204750.

Allele frequency attached by ClinVar (database versions not stated): TOPMed below 0.00001; gnomAD 0.00001; gnomAD exomes 0.00001; ExAC 0.00002.
gnomAD v4.1: 5 of 1,613,968 alleles (0.00031%); highest among the groups gnomAD compares: Non-Finnish European, 0.00042%; no homozygotes.

Submissions (2):

Ambry Genetics
Classification: Uncertain significance for Inborn genetic diseases. Last evaluated: 2025-10-18. Review status: criteria provided, single submitter. Criteria: Ambry Variant Classification Scheme 2023. Collection method: clinical testing. Allele origin: germline.

Labcorp Genetics (formerly Invitae), Labcorp
Classification: Uncertain significance for 2-aminoadipic 2-oxoadipic aciduria. Last evaluated: 2023-08-05. Review status: criteria provided, single submitter. Criteria: Invitae Variant Classification Sherloc (09022015). Collection method: clinical testing. Allele origin: germline.
Comment: This variant is present in population databases (rs757387152, gnomAD 0.002%). This sequence change replaces leucine, which is neutral and non-polar, with proline, which is neutral and non-polar, at codon 166 of the DHTKD1 protein (p.Leu166Pro). This variant has not been reported in the literature in individuals affected with DHTKD1-related conditions. Advanced modeling of protein sequence and biophysical properties (such as structural, functional, and spatial information, amino acid conservation, physicochemical variation, residue mobility, and thermodynamic stability) performed at Invitae indicates that this missense variant is expected to disrupt DHTKD1 protein function. In summary, the available evidence is currently insufficient to determine the role of this variant in disease. Therefore, it has been classified as a Variant of Uncertain Significance.